The following is an entry in ClinVar:

NM_003791.4(MBTPS1):c.1309G>A (p.Val437Met)

Gene: MBTPS1 (membrane bound transcription factor peptidase, site 1; minus strand). Cytogenetic location: 16q23.3.
Variant type: single nucleotide variant.
Coding change: c.1309G>A on transcript NM_003791.4 (MANE Select); coding-DNA position 1309, G replaced by A.
Protein change: p.Val437Met; replaces valine 437 with methionine.
Molecular consequence: missense variant.
Genome position (GRCh38, 1-based): chr16:84,081,886, C>T on the plus strand (G>A on the coding strand, the complement: MBTPS1 is on the minus strand). VCF-style: chr16-84081886-C-T. GRCh37 (hg19) VCF-style: chr16-84115491-C-T.
Other names: short protein forms V437M.
Identifiers: ClinVar variation 3710162 (VCV003710162.1).

ClinVar aggregate classification (germline): Uncertain significance (1 of 4 stars; one submission).

gnomAD v4.1: 5 of 1,450,198 alleles (0.00034%); highest among the groups gnomAD compares: Admixed American, 0.008%; no homozygotes.

Submission:

Labcorp Genetics (formerly Invitae), Labcorp
Classification: Uncertain significance. Last evaluated: 2024-06-15. Review status: criteria provided, single submitter. Criteria: Invitae Variant Classification Sherloc (09022015). Collection method: clinical testing. Allele origin: germline.
Comment: This sequence change replaces valine, which is neutral and non-polar, with methionine, which is neutral and non-polar, at codon 437 of the MBTPS1 protein (p.Val437Met). This variant is present in population databases (rs756813550, gnomAD 0.03%). This variant has not been reported in the literature in individuals affected with MBTPS1-related conditions. An algorithm developed to predict the effect of missense changes on protein structure and function (PolyPhen-2) suggests that this variant is likely to be disruptive. In summary, the available evidence is currently insufficient to determine the role of this variant in disease. Therefore, it has been classified as a Variant of Uncertain Significance.